The following is an entry in ClinVar:

ClinVar aggregate classification (germline): Uncertain significance. Review status: criteria provided, multiple submitters, no conflicts (2 of 4 stars). 4 submissions from 3 submitters: Uncertain significance (4). Last evaluated 2026-07-01.

Conditions:
Hereditary spherocytosis type 1. Also called: Spherocytosis type 1; ANK1-Related Spherocytosis. Identifiers: Orphanet 822, MedGen C2674218, MONDO:0008447, OMIM 182900.
Spherocytosis. Identifiers: MedGen C0553720, HP:0004444.

Allele frequency attached by ClinVar (database versions not stated): gnomAD exomes 0.00004 and 0.00009; gnomAD 0.00005 and 0.00006; TOPMed 0.00007; ExAC 0.00009; ESP Exome Variant Server 0.00015.
gnomAD v4.1: 70 of 1,608,228 alleles (0.0044%); highest among the groups gnomAD compares: South Asian, 0.031%; no homozygotes.

Submissions (4):

CeGaT Center for Human Genetics Tuebingen
Classification: Uncertain significance. Last evaluated: 2026-07-01. Review status: criteria provided, single submitter. Criteria: CeGaT Center For Human Genetics Tuebingen Variant Classification Criteria Version 2. Collection method: clinical testing. Allele origin: germline. Affected: yes. Observed: 1 variant allele.
Comment: ANK1: PM2, BP4

Mayo Clinic Laboratories, Mayo Clinic
Classification: Uncertain significance. Last evaluated: 2025-02-04. Review status: criteria provided, single submitter. Criteria: ACMG Guidelines, 2015. Collection method: clinical testing. Allele origin: germline. Observed: 1 variant allele.
Comment: BP4_strong, PM2_supporting

Illumina Laboratory Services, Illumina
Classification: Uncertain significance for Hereditary spherocytosis type 1. Last evaluated: 2018-01-13. Review status: criteria provided, single submitter. Criteria: ICSL Variant Classification Criteria 13 December 2019. Collection method: clinical testing. Allele origin: germline.

Illumina Laboratory Services, Illumina
Classification: Uncertain significance for Spherocytosis. Last evaluated: 2018-01-13. Review status: criteria provided, single submitter. Criteria: ICSL Variant Classification Criteria 13 December 2019. Collection method: clinical testing. Allele origin: germline.

NM_000037.4(ANK1):c.4636G>A (p.Val1546Ile)

Gene: ANK1 (ankyrin 1; minus strand). Cytogenetic location: 8p11.21.
Variant type: single nucleotide variant.
Coding change: c.4636G>A on transcript NM_000037.4 (MANE Select); coding-DNA position 4636, G replaced by A.
Protein change: p.Val1546Ile; replaces valine 1546 with isoleucine.
Molecular consequence: missense variant. On other transcripts: intron variant (1).
Genome position (GRCh38, 1-based): chr8:41,672,814, C>T on the plus strand (G>A on the coding strand, the complement: ANK1 is on the minus strand). VCF-style: chr8-41672814-C-T. GRCh37 (hg19) VCF-style: chr8-41530332-C-T.
Other names: c.4759G>A, p.Val1587Ile (NM_001142446.2); c.4636G>A, p.Val1546Ile (NM_020475.3, NM_020476.3); c.4538-388G>A (NM_020477.3); short protein forms V1587I, V1546I.
Identifiers: ClinVar variation 362987 (VCV000362987.7), dbSNP rs1060130, ClinGen allele CA4727472.